The following is an entry in ClinVar:

ClinVar aggregate classification (germline): Pathogenic (1 of 4 stars; one submission).

Conditions:
Hereditary factor XI deficiency disease. Also called: PLASMA THROMBOPLASTIN ANTECEDENT DEFICIENCY; PTA DEFICIENCY; ROSENTHAL SYNDROME; Congenital factor XI deficiency. Identifiers: Orphanet 329, MedGen C0015523, MeSH D005173, MONDO:0012897, OMIM 612416.

Submission:

Myriad Genetics, Inc.
Classification: Pathogenic for Hereditary factor XI deficiency disease. Last evaluated: 2024-05-14. Review status: criteria provided, single submitter. Criteria: Myriad Autosomal Dominant, Autosomal Recessive and X-Linked Classification Criteria (2023). Collection method: clinical testing. Allele origin: unknown.
Comment: NM_000128.3(F11):c.1163_1164ins13(V389Lfs*14) is expected to be pathogenic in the context of factor XI deficiency. This variant is predicted to lead to an abnormal or absent protein product due to the creation of a premature termination codon in F11, a gene where loss-of-function variants are known to be pathogenic. Please note: this variant was assessed in the context of healthy population screening.

NM_000128.4(F11):c.1163_1164insACTGTCTCTTATA (p.Val389fs)

Gene: F11 (coagulation factor XI; plus strand). Cytogenetic location: 4q35.2.
Variant type: Insertion.
Coding change: c.1163_1164insACTGTCTCTTATA on transcript NM_000128.4 (MANE Select); coding-DNA positions 1163 to 1164, ACTGTCTCTTATA inserted.
Protein change: p.Val389fs; shifts the reading frame from valine 389.
Molecular consequence: frameshift variant.
Genome position: GRCh38 VCF-style: chr4-186284119-T-TACTGTCTCTTATA. GRCh37 (hg19) VCF-style: chr4-187205273-T-TACTGTCTCTTATA.
Other names: c.1115_1116insACTGTCTCTTATA, p.Val373fs (NM_001440590.1, NM_001440596.1); c.1163_1164insACTGTCTCTTATA, p.Val389fs (NM_001440593.1); c.893_894insACTGTCTCTTATA, p.Val299fs (NM_001440605.1, NM_001440607.1); c.845_846insACTGTCTCTTATA, p.Val283fs (NM_001440606.1, NM_001440608.1); short protein forms V283fs, V299fs, V373fs, V389fs.
Identifiers: ClinVar variation 5010854 (VCV005010854.1).